The following is an entry in ClinVar:

NM_003900.5(SQSTM1):c.84C>A (p.Ser28Arg)

Gene: SQSTM1 (sequestosome 1; plus strand). Cytogenetic location: 5q35.3.
Variant type: single nucleotide variant.
Coding change: c.84C>A on transcript NM_003900.5 (MANE Select); coding-DNA position 84, C replaced by A.
Protein change: p.Ser28Arg; replaces serine 28 with arginine.
Molecular consequence: missense variant. On other transcripts: intron variant (2).
Genome position (GRCh38, 1-based): chr5:179,821,020, C>A. VCF-style: chr5-179821020-C-A. GRCh37 (hg19) VCF-style: chr5-179248020-C-A.
Other names: c.-47-1938C>A (NM_001142298.2, NM_001142299.2); short protein forms S28R.
Identifiers: ClinVar variation 353154 (VCV000353154.10), dbSNP rs759823891, ClinGen allele CA3600369.
Genomic context (GRCh38, chr5:179,821,020, plus strand): 5'-CTACCTTCTGGGCAAGGAGGACGCGGCGCGCGAGATTCGCCGCTTCAGCTTCTGCTGCAG[C>A]CCCGAGCCTGAGGCGGAAGCCGAGGCTGCGGCGGGTCCGGGACCCTGCGAGCGGCTGCTG-3'
Protein context (NP_003891.1, residues 18-38): REIRRFSFCC[Ser28Arg]PEPEAEAEAA

ClinVar aggregate classification (germline): Uncertain significance. Review status: criteria provided, multiple submitters, no conflicts (2 of 4 stars). 2 submissions from 2 submitters: Uncertain significance (2). Last evaluated 2024-09-09.

Conditions:
Paget disease of bone 3. Identifiers: MedGen C4085252, MONDO:0008176, OMIM 167250.
Frontotemporal dementia and/or amyotrophic lateral sclerosis 1 (FTDALS1). Also called: Frontotemporal dementia with motor neuron disease 1; C9orf72 Frontotemporal Dementia and/or Amyotrophic Lateral Sclerosis. Identifiers: Orphanet 275872, MedGen C5779877, MONDO:0007105, OMIM 105550.
Paget disease of bone 2, early-onset (PDB2). Also called: Paget disease of bone 2. Identifiers: MedGen C4085251, MONDO:0011183, OMIM 602080.

Allele frequency attached by ClinVar (database versions not stated): TOPMed 0.00002.
gnomAD v4.1: 4 of 1,565,830 alleles (0.00026%); highest among the groups gnomAD compares: Non-Finnish European, 0.00026%; no homozygotes.

Submissions (2):

Labcorp Genetics (formerly Invitae), Labcorp
Classification: Uncertain significance for Paget disease of bone 2, early-onset; Frontotemporal dementia and/or amyotrophic lateral sclerosis 1. Last evaluated: 2024-09-09. Review status: criteria provided, single submitter. Criteria: Invitae Variant Classification Sherloc (09022015). Collection method: clinical testing. Allele origin: germline.
Comment: This sequence change replaces serine, which is neutral and polar, with arginine, which is basic and polar, at codon 28 of the SQSTM1 protein (p.Ser28Arg). This variant is present in population databases (rs759823891, gnomAD 0.004%). This variant has not been reported in the literature in individuals affected with SQSTM1-related conditions. ClinVar contains an entry for this variant (Variation ID: 353154). An algorithm developed to predict the effect of missense changes on protein structure and function (PolyPhen-2) suggests that this variant is likely to be disruptive. In summary, the available evidence is currently insufficient to determine the role of this variant in disease. Therefore, it has been classified as a Variant of Uncertain Significance.

Illumina Laboratory Services, Illumina
Classification: Uncertain significance for Paget disease of bone 3. Last evaluated: 2018-01-12. Review status: criteria provided, single submitter. Criteria: ICSL Variant Classification Criteria 13 December 2019. Collection method: clinical testing. Allele origin: germline.